The following is an entry in ClinVar:

ClinVar aggregate classification (germline): Uncertain significance. Review status: criteria provided, multiple submitters, no conflicts (2 of 4 stars). 2 submissions from 2 submitters: Uncertain significance (2). Last evaluated 2026-07-07.

Conditions:
Hereditary cancer-predisposing syndrome. Also called: Hereditary Cancer Syndrome; Neoplastic Syndromes, Hereditary; Hereditary neoplastic syndrome; Tumor predisposition. Identifiers: Orphanet 140162, MedGen C0027672, MeSH D009386, MONDO:0015356.
Familial cancer of breast. Also called: hereditary breast carcinoma; Hereditary breast cancer; BREAST CANCER, FAMILIAL. Identifiers: Orphanet 227535, MedGen C0346153, MONDO:0016419, OMIM 114480. Disease mechanism: loss of function.

Submissions (2):

Ambry Genetics
Classification: Uncertain significance for Hereditary cancer-predisposing syndrome. Last evaluated: 2026-07-07. Review status: criteria provided, single submitter. Criteria: Ambry Variant Classification Scheme 2023. Collection method: clinical testing. Allele origin: germline.
Comment: The p.L481P variant (also known as c.1442T>C), located in coding exon 6 of the BARD1 gene, results from a T to C substitution at nucleotide position 1442. The leucine at codon 481 is replaced by proline, an amino acid with similar properties. This amino acid position is conserved. In addition, this alteration is predicted to be deleterious by in silico analysis. Based on the available evidence, the clinical significance of this variant remains unclear.

Labcorp Genetics (formerly Invitae), Labcorp
Classification: Uncertain significance for Familial cancer of breast. Last evaluated: 2021-11-12. Review status: criteria provided, single submitter. Criteria: Invitae Variant Classification Sherloc (09022015). Collection method: clinical testing. Allele origin: germline.
Comment: This sequence change replaces leucine, which is neutral and non-polar, with proline, which is neutral and non-polar, at codon 481 of the BARD1 protein (p.Leu481Pro). In summary, the available evidence is currently insufficient to determine the role of this variant in disease. Therefore, it has been classified as a Variant of Uncertain Significance. Algorithms developed to predict the effect of missense changes on protein structure and function (SIFT, PolyPhen-2, Align-GVGD) all suggest that this variant is likely to be disruptive. This variant has not been reported in the literature in individuals affected with BARD1-related conditions. This variant is not present in population databases (gnomAD no frequency).

NM_000465.4(BARD1):c.1442T>C (p.Leu481Pro)

Gene: BARD1 (BRCA1 associated RING domain 1; minus strand). Cytogenetic location: 2q35.
Variant type: single nucleotide variant.
Coding change: c.1442T>C on transcript NM_000465.4 (MANE Select); coding-DNA position 1442, T replaced by C.
Protein change: p.Leu481Pro; replaces leucine 481 with proline.
Molecular consequence: missense variant. On other transcripts: non-coding transcript variant (3), intron variant (3).
Genome position (GRCh38, 1-based): chr2:214,767,608, A>G on the plus strand (T>C on the coding strand, the complement: BARD1 is on the minus strand). VCF-style: chr2-214767608-A-G. GRCh37 (hg19) VCF-style: chr2-215632332-A-G.
Other names: c.1385T>C, p.Leu462Pro (NM_001282543.2); c.159-15053T>C (NM_001282548.2); c.216-15053T>C (NM_001282545.2); c.364+24689T>C (NM_001282549.2); c.1442T>C (NM_000465.2); short protein forms L462P, L481P.
Identifiers: ClinVar variation 1392814 (VCV001392814.8), dbSNP rs1694274375, ClinGen allele CA350448567.
Genomic context (GRCh38, chr2:214,767,608, plus strand): 5'-GCATCGTGAAGTGGTGAGTCATTTTGATACCCGGTGGTGTTCACCAATGCCTTATGCTGG[A>G]GCAATAATTCCACTACCTTCAGGTGCCCATGATTGCAAGCTTCATGCTAATTAAATTTTT-3'
Protein context (NP_000456.2, residues 471-491): HGHLKVVELL[Leu481Pro]QHKALVNTTG